The following is an entry in ClinVar:

ClinVar aggregate classification (germline): Pathogenic. Review status: criteria provided, single submitter (1 of 4 stars). 2 submissions from 2 submitters: Pathogenic (1). 1 of the submissions does not count toward it. Last evaluated 2024-09-18.

Conditions:
CDKL5 disorder. Identifiers: MedGen CN296942, MONDO:0100039.
Developmental and epileptic encephalopathy, 2 (DEE2). Also called: INFANTILE SPASM SYNDROME, X-LINKED 2; CDKL5 deficiency disorder. Identifiers: Orphanet 1934, Orphanet 3451, Orphanet 505652, MedGen C4750718, MONDO:0010396, OMIM 300672.

Submissions (2):

Centre for Population Genomics, CPG
Classification: Pathogenic for CDKL5 disorder. Last evaluated: 2024-09-18. Review status: criteria provided, single submitter. Criteria: McKnight et al. (Hum Mutat. 2022). Collection method: curation. Allele origin: germline. Inheritance: X-linked inheritance.
Comment: This variant has been collected from RettBASE and curated to current modified ACMG/AMP criteria. Based on the classification scheme defined by the ClinGen Rett/Angelman-like Expert Panel for Rett/AS-like Disorders Specifications to the ACMG/AMP Variant Interpretation Guidelines VCEP 3.0, this variant is classified as pathogenic. At least the following criteria are met: Predicted to result in loss of function, and LOF is a known mechanism of disease (PVS1) This variant has been identified as a de novo occurrence in an individual with CDKL5 disorder without confirmation of paternity and maternity (PM6). PMID:21318334 This variant is absent from gnomAD v4 (PM2_Supporting).

RettBASE
Classification: Pathogenic for Epileptic encephalopathy, early infantile, 2. Last evaluated: 2014-03-13. Review status: no assertion criteria provided. Collection method: curation. Allele origin: de novo. Affected: yes. Observed: 1 variant allele. Not counted in ClinVar's aggregate classification.

Literature cited by the submitters: PubMed 21318334 (cited by RettBASE).

NM_001323289.2(CDKL5):c.1082dup (p.Ala362fs)

Gene: CDKL5 (cyclin dependent kinase like 5; plus strand). Cytogenetic location: Xp22.13.
Variant type: Duplication.
Coding change: c.1082dup on transcript NM_001323289.2 (MANE Select); coding-DNA position 1082, one base duplicated (C; older notation c.1082dupC).
Protein change: p.Ala362fs; shifts the reading frame from alanine 362.
Molecular consequence: frameshift variant.
Genome position (GRCh38, 1-based): chrX:18,604,006, C duplicated; the last of 3 consecutive C bases (chrX:18,604,004-18,604,006); duplicating any one gives the same sequence. VCF-style (leftmost placement, unchanged base first): chrX-18604003-T-TC. GRCh37 (hg19) VCF-style: chrX-18622123-T-TC.
Other names: NM_001323289.2(CDKL5):c.1082dup; p.Ala362fs; c.1082dup, p.Ala362fs (NM_001037343.2, NM_003159.3); c.1082dupC (NM_003159.2); short protein forms A362fs.
Identifiers: ClinVar variation 143769 (VCV000143769.4), dbSNP rs267608566, ClinGen allele CA170437.